The following is an entry in ClinVar:

NM_002246.3(KCNK3):c.254A>G (p.Tyr85Cys)

Gene: KCNK3 (potassium two pore domain channel subfamily K member 3; plus strand). Cytogenetic location: 2p23.3.
Variant type: single nucleotide variant.
Coding change: c.254A>G on transcript NM_002246.3 (MANE Select); coding-DNA position 254, A replaced by G.
Protein change: p.Tyr85Cys; replaces tyrosine 85 with cysteine.
Molecular consequence: missense variant.
Genome position (GRCh38, 1-based): chr2:26,693,129, A>G. VCF-style: chr2-26693129-A-G. GRCh37 (hg19) VCF-style: chr2-26915997-A-G.
Other names: short protein forms Y85C.
Identifiers: ClinVar variation 1519940 (VCV001519940.8), dbSNP rs1670190683, ClinGen allele CA346261354.

ClinVar aggregate classification (germline): Uncertain significance (1 of 4 stars; one submission).

Conditions:
Pulmonary hypertension, primary, 4. Identifiers: Orphanet 422, MedGen C3809198, MONDO:0014136, OMIM 615344.

Submission:

Labcorp Genetics (formerly Invitae), Labcorp
Classification: Uncertain significance for Pulmonary hypertension, primary, 4. Last evaluated: 2022-10-18. Review status: criteria provided, single submitter. Criteria: Invitae Variant Classification Sherloc (09022015). Collection method: clinical testing. Allele origin: germline.
Comment: ClinVar contains an entry for this variant (Variation ID: 1519940). In summary, the available evidence is currently insufficient to determine the role of this variant in disease. Therefore, it has been classified as a Variant of Uncertain Significance. Advanced modeling of protein sequence and biophysical properties (such as structural, functional, and spatial information, amino acid conservation, physicochemical variation, residue mobility, and thermodynamic stability) performed at Invitae indicates that this missense variant is expected to disrupt KCNK3 protein function. This variant has not been reported in the literature in individuals affected with KCNK3-related conditions. This variant is not present in population databases (gnomAD no frequency). This sequence change replaces tyrosine, which is neutral and polar, with cysteine, which is neutral and slightly polar, at codon 85 of the KCNK3 protein (p.Tyr85Cys).